The following is an entry in ClinVar:

ClinVar aggregate classification (germline): Uncertain significance. Review status: criteria provided, multiple submitters, no conflicts (2 of 4 stars). 2 submissions from 2 submitters: Uncertain significance (2). Last evaluated 2024-10-04.

Conditions:
Hajdu-Cheney syndrome (HJCYS). Also called: ACROOSTEOLYSIS WITH OSTEOPOROSIS AND CHANGES IN SKULL AND MANDIBLE; SERPENTINE FIBULA-POLYCYSTIC KIDNEY SYNDROME; Acroosteolysis dominant type. Identifiers: Orphanet 955, MedGen C0917715, MONDO:0007057, OMIM 102500.
NOTCH2-related disorder. Also called: NOTCH2-related condition.

gnomAD v4.1: 1 of 1,613,888 alleles (0.000062%); highest among the groups gnomAD compares: Admixed American, 0.0017%; no homozygotes.

Submissions (2):

PreventionGenetics, part of Exact Sciences
Classification: Uncertain significance for NOTCH2-related condition. Last evaluated: 2024-10-04. Review status: criteria provided, single submitter. Criteria: ACMG Guidelines, 2015. Collection method: clinical testing. Allele origin: germline.
Comment: The NOTCH2 c.7138G>A variant is predicted to result in the amino acid substitution p.Val2380Met. To our knowledge, this variant has not been reported in the literature or in a large population database (gnomAD), indicating this variant is rare. At this time, the clinical significance of this variant is uncertain due to the absence of conclusive functional and genetic evidence.

Labcorp Genetics (formerly Invitae), Labcorp
Classification: Uncertain significance for Hajdu-Cheney syndrome. Last evaluated: 2024-05-02. Review status: criteria provided, single submitter. Criteria: Invitae Variant Classification Sherloc (09022015). Collection method: clinical testing. Allele origin: germline.
Comment: This sequence change replaces valine, which is neutral and non-polar, with methionine, which is neutral and non-polar, at codon 2380 of the NOTCH2 protein (p.Val2380Met). This variant is not present in population databases (gnomAD no frequency). This variant has not been reported in the literature in individuals affected with NOTCH2-related conditions. Advanced modeling of protein sequence and biophysical properties (such as structural, functional, and spatial information, amino acid conservation, physicochemical variation, residue mobility, and thermodynamic stability) performed at Invitae indicates that this missense variant is not expected to disrupt NOTCH2 protein function with a negative predictive value of 80%. In summary, the available evidence is currently insufficient to determine the role of this variant in disease. Therefore, it has been classified as a Variant of Uncertain Significance.

NM_024408.4(NOTCH2):c.7138G>A (p.Val2380Met)

Gene: NOTCH2 (notch receptor 2; minus strand). Cytogenetic location: 1p12.
Variant type: single nucleotide variant.
Coding change: c.7138G>A on transcript NM_024408.4 (MANE Select); coding-DNA position 7138, G replaced by A.
Protein change: p.Val2380Met; replaces valine 2380 with methionine.
Molecular consequence: missense variant.
Genome position (GRCh38, 1-based): chr1:119,915,584, C>T on the plus strand (G>A on the coding strand, the complement: NOTCH2 is on the minus strand). VCF-style: chr1-119915584-C-T. GRCh37 (hg19) VCF-style: chr1-120458207-C-T.
Other names: c.7138G>A (NM_024408.3); short protein forms V2380M.
Identifiers: ClinVar variation 3612012 (VCV003612012.3).
Genomic context (GRCh38, chr1:119,915,584, plus strand): 5'-GCTCAGCAGCATTTGAGGAAGCATAACTGTGCTGTGAAGGGGGTGTGGGGTACTTGCCCA[C>T]AGAGGCTGGGAAAGGATGATAGGCTGGGAGAATGGTCTGAGCTACCTGCCCGTCCTGCTG-3'
Protein context (NP_077719.2, residues 2370-2390): LPAYHPFPAS[Val2380Met]GKYPTPPSQH